The following is an entry in ClinVar:

ClinVar aggregate classification (germline): Uncertain significance (1 of 4 stars; one submission).

Submission:

GeneDx
Classification: Uncertain significance. Last evaluated: 2024-01-19. Review status: criteria provided, single submitter. Criteria: GeneDx Variant Classification Process June 2021. Collection method: clinical testing. Allele origin: germline. Affected: yes.
Comment: Frameshift variant predicted to result in protein truncation or nonsense mediated decay in a gene for which loss-of-function is not a known mechanism of disease; Not observed at significant frequency in large population cohorts (gnomAD); Has not been previously published as pathogenic or benign to our knowledge; Variants in candidate genes are classified as variants of uncertain significance in accordance with ACMG guidelines (PMID: 25741868)

NM_005475.3(SH2B3):c.1164_1165dup (p.Phe389fs)

Gene: SH2B3 (SH2B adaptor protein 3; plus strand). Cytogenetic location: 12q24.12.
Variant type: Microsatellite.
Coding change: c.1164_1165dup on transcript NM_005475.3 (MANE Select); coding-DNA positions 1164 to 1165, 2 bases duplicated (GT; older notation c.1164_1165dupGT).
Protein change: p.Phe389fs; shifts the reading frame from phenylalanine 389.
Molecular consequence: frameshift variant.
Genome position (GRCh38, 1-based): chr12:111,447,472-111,447,473, GT duplicated; duplicating any 2 consecutive bases within chr12:111,447,470-111,447,473 gives the same sequence; the c. name uses the placement nearest the transcript's 3' end. VCF-style (leftmost placement, unchanged base first): chr12-111447469-A-AGT. GRCh37 (hg19) VCF-style: chr12-111885273-A-AGT.
Other names: c.558_559dup, p.Phe187fs (NM_001291424.1); c.1162_1163GT[3], p.Phe389Cysfs (NM_005475.2); c.1164_1165dup (NM_005475.2); short protein forms F187fs, F389fs.
Identifiers: ClinVar variation 3368074 (VCV003368074.1).